The following is an entry in ClinVar:

ClinVar aggregate classification (germline): Uncertain significance (1 of 4 stars; one submission).

Conditions:
Inborn genetic diseases. Identifiers: MedGen C0950123, MeSH D030342.

gnomAD v4.1: 1 of 1,613,566 alleles (0.000062%); highest among the groups gnomAD compares: South Asian, 0.0011%; no homozygotes.

Submission:

Ambry Genetics
Classification: Uncertain significance for Inborn genetic diseases. Last evaluated: 2024-12-31. Review status: criteria provided, single submitter. Criteria: Ambry Variant Classification Scheme 2023. Collection method: clinical testing. Allele origin: germline.
Comment: The p.V292I variant (also known as c.874G>A), located in coding exon 8 of the CEP57 gene, results from a G to A substitution at nucleotide position 874. The valine at codon 292 is replaced by isoleucine, an amino acid with highly similar properties. This amino acid position is conserved. In addition, this alteration is predicted to be tolerated by in silico analysis. Based on the available evidence, the clinical significance of this variant remains unclear.

NM_014679.5(CEP57):c.874G>A (p.Val292Ile)

Gene: CEP57 (centrosomal protein 57; plus strand). Cytogenetic location: 11q21.
Variant type: single nucleotide variant.
Coding change: c.874G>A on transcript NM_014679.5 (MANE Select); coding-DNA position 874, G replaced by A.
Protein change: p.Val292Ile; replaces valine 292 with isoleucine.
Molecular consequence: missense variant. On other transcripts: intron variant (1).
Genome position (GRCh38, 1-based): chr11:95,822,565, G>A. VCF-style: chr11-95822565-G-A. GRCh37 (hg19) VCF-style: chr11-95555729-G-A.
Other names: c.847G>A, p.Val283Ile (NM_001243776.2); c.793G>A, p.Val265Ile (NM_001363604.2); c.807+587G>A (NM_001243777.2); short protein forms V265I, V283I, V292I.
Identifiers: ClinVar variation 3831950 (VCV003831950.1).